The following is an entry in ClinVar:

ClinVar aggregate classification (germline): Pathogenic (1 of 4 stars; one submission).

Submission:

Labcorp Genetics (formerly Invitae), Labcorp
Classification: Pathogenic. Last evaluated: 2023-07-15. Review status: criteria provided, single submitter. Criteria: Invitae Variant Classification Sherloc (09022015). Collection method: clinical testing. Allele origin: germline.
Comment: For these reasons, this variant has been classified as Pathogenic. This variant has not been reported in the literature in individuals affected with CC2D1A-related conditions. This variant is not present in population databases (gnomAD no frequency). This sequence change creates a premature translational stop signal (p.Glu571*) in the CC2D1A gene. It is expected to result in an absent or disrupted protein product. Loss-of-function variants in CC2D1A are known to be pathogenic (PMID: 16033914).

Literature cited by the submitters: PubMed 16033914.

NM_017721.5(CC2D1A):c.1711G>T (p.Glu571Ter)

Gene: CC2D1A (coiled-coil and C2 domain containing 1A; plus strand). Cytogenetic location: 19p13.12.
Variant type: single nucleotide variant.
Coding change: c.1711G>T on transcript NM_017721.5 (MANE Select); coding-DNA position 1711, G replaced by T.
Protein change: p.Glu571Ter; replaces glutamic acid 571 with a stop codon.
Molecular consequence: nonsense.
Genome position (GRCh38, 1-based): chr19:13,923,402, G>T. VCF-style: chr19-13923402-G-T. GRCh37 (hg19) VCF-style: chr19-14034215-G-T.
Other names: c.1711G>T, p.Glu571Ter (NM_001411138.1); short protein forms E571*.
Identifiers: ClinVar variation 2743479 (VCV002743479.3), dbSNP rs777124179, ClinGen allele CA404390111.